The following is an entry in ClinVar:

ClinVar aggregate classification (germline): Conflicting classifications of pathogenicity. Review status: criteria provided, conflicting classifications (1 of 4 stars). 14 submissions from 14 submitters: Uncertain significance (4); Benign (1); Likely benign (8). 1 of the submissions does not count toward it. Last evaluated 2026-02-03.

Conditions:
Hereditary cancer. Identifiers: MedGen C1333600.
POLD1-related disorder. Also called: POLD1-related condition; POLD1-related disorders.
Hereditary cancer-predisposing syndrome. Also called: Tumor predisposition; Hereditary Cancer Syndrome; Neoplastic Syndromes, Hereditary; Hereditary neoplastic syndrome. Identifiers: Orphanet 140162, MedGen C0027672, MeSH D009386, MONDO:0015356.
POLD1-related polyposis and colorectal cancer syndrome (CRCS10). Also called: Colorectal cancer 10; COLORECTAL CANCER, SUSCEPTIBILITY TO, ON CHROMOSOME 19q; Colorectal cancer, susceptibility to, 10. Identifiers: Orphanet 220460, MedGen C2675481, MONDO:0012953, OMIM 612591.

Allele frequency attached by ClinVar (database versions not stated): TOPMed 0.00049; ExAC 0.00051; ESP Exome Variant Server 0.00054; 1000 Genomes Project 0.00060; gnomAD 0.00061 and 0.00062; 1000 Genomes Project 30x 0.00062.
gnomAD v4.1: 960 of 1,614,070 alleles (0.059%); highest among the groups gnomAD compares: Non-Finnish European, 0.074%; no homozygotes.

Submissions (14):

Labcorp Genetics (formerly Invitae), Labcorp
Classification: Likely benign for POLD1-related polyposis and colorectal cancer syndrome. Last evaluated: 2026-02-03. Review status: criteria provided, single submitter. Criteria: Invitae Variant Classification Sherloc (09022015). Collection method: clinical testing. Allele origin: germline.

Center for Genomic Medicine, Rigshospitalet, Copenhagen University Hospital
Classification: Uncertain significance. Last evaluated: 2025-12-29. Review status: criteria provided, single submitter. Criteria: ACMG Guidelines, 2015. Collection method: clinical testing. Allele origin: germline.

Women's Health and Genetics/Laboratory Corporation of America, LabCorp
Classification: Likely benign. Last evaluated: 2025-10-06. Review status: criteria provided, single submitter. Criteria: LabCorp Variant Classification Summary - May 2015. Collection method: clinical testing. Allele origin: germline.
Comment: Variant summary: POLD1 c.455C>T (p.Ala152Val) results in a non-conservative amino acid change in the encoded protein sequence. Algorithms developed to predict the effect of missense changes on protein structure and function are either unavailable or do not agree on the potential impact of this missense change. The variant allele was found at a frequency of 0.00047 in 251100 control chromosomes. The observed variant frequency exceeds the estimated maximal expected allele frequency for disease-causing variants in POLD1. c.455C>T has been observed in individual(s) affected with Breast Cancer or Colorectal Cancer (e.g. Guindalini_2022, Bhai_2021, de Oliveira_2022, Erdem_2020, Mur_2020, Eid_2025). These report(s) do not provide unequivocal conclusions about association of the variant with Colorectal Cancer. To our knowledge, no experimental evidence demonstrating an impact on protein function has been reported. The following publications have been ascertained in the context of this evaluation (PMID: 34326862, 38773787, 32283892, 35264596, 32792570, 37990341, 35534704). ClinVar contains an entry for this variant (Variation ID: 239348). Based on the evidence outlined above, the variant was classified as likely benign.

CeGaT Center for Human Genetics Tuebingen
Classification: Likely benign. Last evaluated: 2025-05-01. Review status: criteria provided, single submitter. Criteria: CeGaT Center For Human Genetics Tuebingen Variant Classification Criteria Version 2. Collection method: clinical testing. Allele origin: germline. Affected: yes. Observed: 2 variant alleles.
Comment: POLD1: BP4

Blueprint Genetics
Classification: Likely benign. Last evaluated: 2024-11-20. Review status: criteria provided, single submitter. Criteria: ACMG Guidelines, 2015. Collection method: clinical testing. Allele origin: germline.

Ambry Genetics
Classification: Benign for Hereditary cancer-predisposing syndrome. Last evaluated: 2024-02-28. Review status: criteria provided, single submitter. Criteria: Ambry Variant Classification Scheme 2023. Collection method: clinical testing. Allele origin: germline.

Mendelics
Classification: Likely benign for Hereditary cancer. Last evaluated: 2024-01-23. Review status: criteria provided, single submitter. Criteria: ACMG Guidelines, 2015. Collection method: clinical testing. Allele origin: unknown.

Department of Pathology and Laboratory Medicine, Sinai Health System
Classification: Uncertain significance for POLD1-related polyposis and colorectal cancer syndrome. Last evaluated: 2022-09-29. Review status: criteria provided, single submitter. Criteria: ACMG Guidelines, 2015. Collection method: clinical testing. Allele origin: germline. Affected: yes.

Institute for Clinical Genetics, University Hospital TU Dresden, University Hospital TU Dresden
Classification: Uncertain significance. Last evaluated: 2021-11-03. Review status: criteria provided, single submitter. Criteria: ACMG Guidelines, 2015. Collection method: clinical testing. Allele origin: germline.

Sema4
Classification: Likely benign for Hereditary cancer-predisposing syndrome. Last evaluated: 2021-01-18. Review status: criteria provided, single submitter. Criteria: Sema4 Curation Guidelines. Collection method: curation. Allele origin: germline.

GeneDx
Classification: Likely benign. Last evaluated: 2020-12-23. Review status: criteria provided, single submitter. Criteria: GeneDx Variant Classification Process June 2021. Collection method: clinical testing. Allele origin: germline. Affected: yes.
Comment: This variant is associated with the following publications: (PMID: 25620207)

Genetic Services Laboratory, University of Chicago
Classification: Uncertain significance. Last evaluated: 2020-02-17. Review status: criteria provided, single submitter. Criteria: ACMG Guidelines, 2015. Collection method: clinical testing. Allele origin: germline. Affected: no.
Comment: DNA sequence analysis of the POLD1 gene demonstrated a sequence change, c.455C>T, in exon 4 that results in an amino acid change, p.Ala152Val. This sequence change does not appear to have been previously described in patients with POLD1-related disorders and has been described in the gnomAD database with a frequency of 0.09% in the European sub-population (dbSNP rs41563714). The p.Ala152Val change affects a highly conserved amino acid residue located in a domain of the POLD1 protein that is known to be functional. In-silico pathogenicity prediction tools (SIFT, PolyPhen2, Align GVGD, REVEL) provide contradictory results for the p.Ala152Val substitution. Due to these contrasting evidences and the lack of functional studies, the clinical significance of the p.Ala152Val change remains unknown at this time.

Quest Diagnostics Nichols Institute San Juan Capistrano
Classification: Likely benign. Last evaluated: 2019-01-18. Review status: criteria provided, single submitter. Criteria: Quest Diagnostics criteria. Collection method: clinical testing. Allele origin: germline.

PreventionGenetics, part of Exact Sciences
Classification: Likely benign for POLD1-related condition. Last evaluated: 2022-09-23. Review status: no assertion criteria provided. Collection method: clinical testing. Allele origin: germline. Not counted in ClinVar's aggregate classification.
Comment: This variant is classified as likely benign based on ACMG/AMP sequence variant interpretation guidelines (Richards et al. 2015 PMID: 25741868, with internal and published modifications).

Literature cited by the submitters: PubMed 32283892 (cited by Center for Genomic Medicine, Rigshospitalet, Copenhagen University Hospital and Women's Health and Genetics/Laboratory Corporation of America, LabCorp); PubMed 32792570 (cited by Women's Health and Genetics/Laboratory Corporation of America, LabCorp); PubMed 35264596 (cited by Women's Health and Genetics/Laboratory Corporation of America, LabCorp); PubMed 34326862 (cited by Women's Health and Genetics/Laboratory Corporation of America, LabCorp); PubMed 35534704 (cited by Women's Health and Genetics/Laboratory Corporation of America, LabCorp); PubMed 37990341 (cited by Women's Health and Genetics/Laboratory Corporation of America, LabCorp); PubMed 38773787 (cited by Women's Health and Genetics/Laboratory Corporation of America, LabCorp).

NM_002691.4(POLD1):c.455C>T (p.Ala152Val)

Gene: POLD1 (DNA polymerase delta 1, catalytic subunit; plus strand). Cytogenetic location: 19q13.33.
Variant type: single nucleotide variant.
Coding change: c.455C>T on transcript NM_002691.4 (MANE Select); coding-DNA position 455, C replaced by T.
Protein change: p.Ala152Val; replaces alanine 152 with valine.
Molecular consequence: missense variant. On other transcripts: non-coding transcript variant (1).
Genome position (GRCh38, 1-based): chr19:50,401,916, C>T. VCF-style: chr19-50401916-C-T. GRCh37 (hg19) VCF-style: chr19-50905173-C-T.
Other names: c.455C>T, p.Ala152Val (NM_001256849.1, NM_001308632.1); short protein forms A152V.
Identifiers: ClinVar variation 239348 (VCV000239348.71), dbSNP rs41563714, ClinGen allele CA9595733.
Genomic context (GRCh38, chr19:50,401,916, plus strand): 5'-ATGAGGGGTTCTCTGTCTGCTGCCACATCCACGGCTTCGCTCCCTACTTCTACACCCCAG[C>T]GCCCCCTGGTGAGTGGCCCCTACCCAGCCCCTCCCTGAGCCACTGGAGCCCCCTGCACCT-3'
Protein context (NP_002682.2, residues 142-162): HGFAPYFYTP[Ala152Val]PPGFGPEHMG